The following is an entry in ClinVar:

ClinVar aggregate classification (germline): Likely pathogenic (1 of 4 stars; one submission).

Conditions:
Deficiency of galactokinase. Also called: Galactokinase deficiency with cataracts; GALACTOSEMIA II. Identifiers: Orphanet 352, Orphanet 79237, MedGen C0268155, MONDO:0009255, OMIM 230200.

Submission:

Women's Health and Genetics/Laboratory Corporation of America, LabCorp
Classification: Likely pathogenic for Deficiency of galactokinase. Last evaluated: 2023-02-27. Review status: criteria provided, single submitter. Criteria: LabCorp Variant Classification Summary - May 2015. Collection method: clinical testing. Allele origin: germline.
Comment: Variant summary: GALK1 c.686dupA (p.His229GlnfsX16) results in a premature termination codon, predicted to cause a truncation of the encoded protein or absence of the protein due to nonsense mediated decay, which are commonly known mechanisms for disease. Truncations downstream of this position have been classified as pathogenic in ClinVar. The variant was absent in 250864 control chromosomes (gnomAD). To our knowledge, no occurrence of c.686dupA in individuals affected with Deficiency Of Galactokinase and no experimental evidence demonstrating its impact on protein function have been reported. No clinical diagnostic laboratories have submitted clinical-significance assessments for this variant to ClinVar after 2014. Based on the evidence outlined above, the variant was classified as likely pathogenic.

NM_000154.2(GALK1):c.686dup (p.His229fs)

Gene: GALK1 (galactokinase 1; minus strand). Cytogenetic location: 17q25.1.
Variant type: Duplication.
Coding change: c.686dup on transcript NM_000154.2 (MANE Select); coding-DNA position 686, one base duplicated (A; older notation c.686dupA).
Protein change: p.His229fs; shifts the reading frame from histidine 229.
Molecular consequence: frameshift variant.
Genome position (GRCh38, 1-based): chr17:75,762,811, T duplicated on the plus strand (A on the coding strand, the reverse complement: GALK1 is on the minus strand). VCF-style (leftmost placement, unchanged base first): chr17-75762810-G-GT. GRCh37 (hg19) VCF-style: chr17-73758891-G-GT.
Other names: c.686dupA (NM_000154.1); c.686dup, p.His229fs (NM_001381985.1); short protein forms H229fs.
Identifiers: ClinVar variation 2445683 (VCV002445683.1), dbSNP rs2545903185, ClinGen allele CA2580095174.